The following is an entry in ClinVar:

ClinVar aggregate classification (germline): Benign/Likely benign. Review status: criteria provided, multiple submitters, no conflicts (2 of 4 stars). 3 submissions from 3 submitters: Benign (1); Likely benign (2). Last evaluated 2026-07-13.

Conditions:
Hereditary cancer-predisposing syndrome. Also called: Hereditary neoplastic syndrome; Neoplastic Syndromes, Hereditary; Tumor predisposition; Hereditary Cancer Syndrome. Identifiers: Orphanet 140162, MedGen C0027672, MeSH D009386, MONDO:0015356.
Rhabdoid tumor predisposition syndrome 2 (RTPS2). Identifiers: Orphanet 231108, Orphanet 69077, MedGen C2750074, MONDO:0013224, OMIM 613325.

gnomAD v4.1: 2 of 1,612,524 alleles (0.00012%); highest among the groups gnomAD compares: Non-Finnish European, 0.00017%; no homozygotes.

Submissions (3):

Myriad Genetics, Inc.
Classification: Benign for Rhabdoid tumor predisposition syndrome 2. Last evaluated: 2026-07-13. Review status: criteria provided, single submitter. Criteria: Myriad Autosomal Dominant, Autosomal Recessive and X-Linked Classification Criteria (2023). Collection method: clinical testing. Allele origin: unknown.
Comment: This variant is considered benign. This variant is a silent/synonymous amino acid change and it is not expected to impact splicing.

Labcorp Genetics (formerly Invitae), Labcorp
Classification: Likely benign for Rhabdoid tumor predisposition syndrome 2. Last evaluated: 2025-04-16. Review status: criteria provided, single submitter. Criteria: Invitae Variant Classification Sherloc (09022015). Collection method: clinical testing. Allele origin: germline.

Ambry Genetics
Classification: Likely benign for Hereditary cancer-predisposing syndrome. Last evaluated: 2023-08-06. Review status: criteria provided, single submitter. Criteria: Ambry Variant Classification Scheme 2023. Collection method: clinical testing. Allele origin: germline.

NM_003072.5(SMARCA4):c.2529C>G (p.Ala843=)

Gene: SMARCA4 (SWI/SNF related BAF chromatin remodeling complex subunit ATPase 4; plus strand). Cytogenetic location: 19p13.2.
Variant type: single nucleotide variant.
Coding change: c.2529C>G on transcript NM_003072.5 (MANE Select); coding-DNA position 2529, C replaced by G.
Protein change: p.Ala843=; no amino-acid change (alanine 843 retained).
Molecular consequence: synonymous variant. On other transcripts: non-coding transcript variant (1).
Genome position (GRCh38, 1-based): chr19:11,019,614, C>G. VCF-style: chr19-11019614-C-G. GRCh37 (hg19) VCF-style: chr19-11130290-C-G.
Other names: c.2529C>G, p.Ala843= (NM_001128844.3, NM_001128845.2, NM_001128846.2 and 4 more transcripts).
Identifiers: ClinVar variation 797856 (VCV000797856.13), dbSNP rs1600257746, ClinGen allele CA505490230.
Genomic context (GRCh38, chr19:11,019,614, plus strand): 5'-TCCAAAAGCCGAGCTGTGCATCCTGCTTCCCTTGCAGGGATCCCCAGCAGCAAGACGGGC[C>G]TTTGTCCCCCAGCTCCGGAGTGGGAAGTTCAACGTCTTGCTGACGACGTACGAGTACATC-3'
Protein context (NP_003063.2, residues 833-853): SYKGSPAARR[Ala843=]FVPQLRSGKF